The following is an entry in ClinVar:

ClinVar aggregate classification (germline): Uncertain significance (1 of 4 stars; one submission).

Conditions:
Charcot-Marie-Tooth disease dominant intermediate C (CMTDIC). Also called: CHARCOT-MARIE-TOOTH NEUROPATHY, DOMINANT INTERMEDIATE C. Identifiers: Orphanet 100045, MedGen C1842237, MONDO:0012012, OMIM 608323.

Allele frequency attached by ClinVar (database versions not stated): gnomAD exomes below 0.00001.
gnomAD v4.1: 1 of 1,613,216 alleles (0.000062%); highest among the groups gnomAD compares: Non-Finnish European, 0.000085%; no homozygotes.

Submission:

Labcorp Genetics (formerly Invitae), Labcorp
Classification: Uncertain significance for Charcot-Marie-Tooth disease dominant intermediate C. Last evaluated: 2022-07-27. Review status: criteria provided, single submitter. Criteria: Invitae Variant Classification Sherloc (09022015). Collection method: clinical testing. Allele origin: germline.
Comment: This sequence change falls in intron 4 of the YARS gene. It does not directly change the encoded amino acid sequence of the YARS protein. It affects a nucleotide within the consensus splice site. This variant is not present in population databases (gnomAD no frequency). This variant has not been reported in the literature in individuals affected with YARS-related conditions. Variants that disrupt the consensus splice site are a relatively common cause of aberrant splicing (PMID: 17576681, 9536098). Algorithms developed to predict the effect of sequence changes on RNA splicing suggest that this variant may disrupt the consensus splice site. In summary, the available evidence is currently insufficient to determine the role of this variant in disease. Therefore, it has been classified as a Variant of Uncertain Significance.

Literature cited by the submitters: PubMed 17576681; PubMed 9536098.

NM_003680.4(YARS1):c.511-3C>G

Gene: YARS1 (tyrosyl-tRNA synthetase 1; minus strand). Cytogenetic location: 1p35.1.
Variant type: single nucleotide variant.
Coding change: c.511-3C>G on transcript NM_003680.4 (MANE Select); 3 bases into the intron before coding-DNA position 511, C replaced by G.
Molecular consequence: intron variant.
Genome position (GRCh38, 1-based): chr1:32,797,846, G>C on the plus strand (C>G on the coding strand, the complement: YARS1 is on the minus strand). VCF-style: chr1-32797846-G-C. GRCh37 (hg19) VCF-style: chr1-33263447-G-C.
Identifiers: ClinVar variation 2418743 (VCV002418743.6), dbSNP rs2523403401, ClinGen allele CA2580062688.
Genomic context (GRCh38, chr1:32,797,846, plus strand): 5'-TTCTCTGATCAATGCCTCCAAATTGGGCATCTACTTTTAAATACTCTTCATCCAAAGCCT[G>C]TGGAAAGAAACACATGAACATAAACATCTACTTTATTTTTTTGAGACAGAGTCTCGCTCT-3'